The following is an entry in ClinVar:

NM_006231.4(POLE):c.3396C>G (p.Tyr1132Ter)

Gene: POLE (DNA polymerase epsilon, catalytic subunit; minus strand). Cytogenetic location: 12q24.33.
Variant type: single nucleotide variant.
Coding change: c.3396C>G on transcript NM_006231.4 (MANE Select); coding-DNA position 3396, C replaced by G.
Protein change: p.Tyr1132Ter; replaces tyrosine 1132 with a stop codon.
Molecular consequence: nonsense.
Genome position (GRCh38, 1-based): chr12:132,657,412, G>C on the plus strand (C>G on the coding strand, the complement: POLE is on the minus strand). VCF-style: chr12-132657412-G-C. GRCh37 (hg19) VCF-style: chr12-133233998-G-C.
Other names: short protein forms Y1132*.
Identifiers: ClinVar variation 823718 (VCV000823718.5), dbSNP rs1593766726, ClinGen allele CA387389518.
Genomic context (GRCh38, chr12:132,657,412, plus strand): 5'-CTGCAGGGCCGCAGGGATGGTGATGATCTTCTGGATGGCGCTTCCCAGCCGCTCAATGTA[G>C]TAGTCCCAATCCAGAATCTGCATGTGCAGGAAACGGGCACAGAGAACAGCAGGTGGCAGC-3'

ClinVar aggregate classification (germline): Uncertain significance (1 of 4 stars; one submission).

Conditions:
Hereditary cancer-predisposing syndrome. Also called: Hereditary Cancer Syndrome; Tumor predisposition; Neoplastic Syndromes, Hereditary; Hereditary neoplastic syndrome. Identifiers: Orphanet 140162, MedGen C0027672, MeSH D009386, MONDO:0015356.

Submission:

Ambry Genetics
Classification: Uncertain significance for Hereditary cancer-predisposing syndrome. Last evaluated: 2026-02-05. Review status: criteria provided, single submitter. Criteria: Ambry Variant Classification Scheme 2023. Collection method: clinical testing. Allele origin: germline.
Comment: The p.Y1132* variant (also known as c.3396C>G), located in coding exon 28 of the POLE gene, results from a C to G substitution at nucleotide position 3396. This changes the amino acid from a tyrosine to a stop codon within coding exon 28. This alteration is expected to result in loss of function by premature protein truncation or nonsense-mediated mRNA decay. Although biallelic loss of function of POLE has been associated with autosomal recessive POLE deficiency, haploinsufficiency of POLE has not been established as a mechanism of disease for POLE-related polymerase proofreading-associated polyposis (PPAP) and POLE-related CMMRD-like syndrome. Based on the supporting evidence, this variant is expected to be causative of POLE deficiency when present along with a second pathogenic variant on the other allele; however, its clinical significance for PPAP and POLE-related CMMRD-like syndrome is unclear.